The following is an entry in ClinVar:

NM_025114.4(CEP290):c.7432A>C (p.Ile2478Leu)

Genes: CEP290 (centrosomal protein 290; minus strand), RLIG1 (RNA 5'-phosphate and 3'-OH ligase 1; plus strand). Cytogenetic location: 12q21.32.
Variant type: single nucleotide variant.
Coding change: c.7432A>C on transcript NM_025114.4 (MANE Select); coding-DNA position 7432, A replaced by C.
Protein change: p.Ile2478Leu; replaces isoleucine 2478 with leucine.
Molecular consequence: missense variant. On other transcripts: 3 prime UTR variant (1).
Genome position (GRCh38, 1-based): chr12:88,049,192, T>G on the plus strand (A>C on the coding strand, the complement: CEP290 is on the minus strand). VCF-style: chr12-88049192-T-G. GRCh37 (hg19) VCF-style: chr12-88442969-T-G.
Other names: c.*770T>G (NM_001009894.3); short protein forms I2478L.
Identifiers: ClinVar variation 4982844 (VCV004982844.1).
Genomic context (GRCh38, chr12:88,049,192, plus strand): 5'-TAACTTATAAAGTTAATAAATAGTTAAATGAAACAAAGTTTATAGGTGACCTTTAGTAAA[T>G]GGGGAAATTAACAGGACTTTCTTCTTCATCTTCAAACTCTTCAGAAGCAGCAACAGGGCT-3'
Protein context (NP_079390.3, residues 2468-2479): DEEESPVNFP[Ile2478Leu]Y

ClinVar aggregate classification (germline): Uncertain significance (1 of 4 stars; one submission).

Conditions:
CEP290-related disorder. Also called: CEP290-related condition; CEP290-related disorders. Identifiers: MedGen CN239314.

gnomAD v4.1: 6 of 1,583,454 alleles (0.00038%); highest among the groups gnomAD compares: African/African-American, 0.0081%; no homozygotes.

Submission:

PreventionGenetics, part of Exact Sciences
Classification: Uncertain significance for CEP290-related condition. Last evaluated: 2025-05-29. Review status: criteria provided, single submitter. Criteria: ACMG Guidelines, 2015. Collection method: clinical testing. Allele origin: germline.
Comment: The CEP290 c.7432A>C variant is predicted to result in the amino acid substitution p.Ile2478Leu. To our knowledge, this variant has not been reported in the literature. This variant is reported in 0.0084% of alleles in individuals of African descent in gnomAD. At this time, the clinical significance of this variant is uncertain due to the absence of conclusive functional and genetic evidence.